The following is an entry in ClinVar:

ClinVar aggregate classification (germline): Conflicting classifications of pathogenicity. Review status: criteria provided, conflicting classifications (1 of 4 stars). 2 submissions from 2 submitters: Uncertain significance (1); Benign (1). Last evaluated 2025-09-09.

Conditions:
Hereditary cancer-predisposing syndrome. Also called: Hereditary neoplastic syndrome; Hereditary Cancer Syndrome; Neoplastic Syndromes, Hereditary; Tumor predisposition. Identifiers: Orphanet 140162, MedGen C0027672, MeSH D009386, MONDO:0015356.
Familial adenomatous polyposis 2. Also called: MYH-associated polyposis; COLORECTAL ADENOMATOUS POLYPOSIS, AUTOSOMAL RECESSIVE; ADENOMAS, MULTIPLE COLORECTAL, AUTOSOMAL RECESSIVE; MUTYH-related attenuated familial adenomatous polyposis; Adenomas, multiple colorectal; FAP type 2. Identifiers: Orphanet 220460, Orphanet 247798, MedGen C3272841, MONDO:0012041, OMIM 608456.

Submissions (2):

Ambry Genetics
Classification: Benign for Hereditary cancer-predisposing syndrome. Last evaluated: 2025-09-09. Review status: criteria provided, single submitter. Criteria: Ambry Variant Classification Scheme 2023. Collection method: clinical testing. Allele origin: germline.

Labcorp Genetics (formerly Invitae), Labcorp
Classification: Uncertain significance for Familial adenomatous polyposis 2. Last evaluated: 2021-03-21. Review status: criteria provided, single submitter. Criteria: Invitae Variant Classification Sherloc (09022015). Collection method: clinical testing. Allele origin: germline.
Comment: In summary, the available evidence is currently insufficient to determine the role of this variant in disease. Therefore, it has been classified as a Variant of Uncertain Significance. Algorithms developed to predict the effect of missense changes on protein structure and function output the following: SIFT: "Tolerated"; PolyPhen-2: "Benign"; Align-GVGD: "Class C0". The cysteine amino acid residue is found in multiple mammalian species, suggesting that this missense change does not adversely affect protein function. These predictions have not been confirmed by published functional studies and their clinical significance is uncertain. This variant has not been reported in the literature in individuals with MUTYH-related conditions. ClinVar contains an entry for this variant (Variation ID: 483904). This variant is not present in population databases (ExAC no frequency). This sequence change replaces serine with cysteine at codon 82 of the MUTYH protein (p.Ser82Cys). The serine residue is moderately conserved and there is a moderate physicochemical difference between serine and cysteine.

NM_001048174.2(MUTYH):c.161C>G (p.Ser54Cys)

Gene: MUTYH (mutY DNA glycosylase; minus strand). Cytogenetic location: 1p34.1.
Variant type: single nucleotide variant.
Coding change: c.161C>G on transcript NM_001048174.2 (MANE Select); coding-DNA position 161, C replaced by G.
Protein change: p.Ser54Cys; replaces serine 54 with cysteine.
Molecular consequence: missense variant. On other transcripts: 5 prime UTR variant (1), non-coding transcript variant (2), intron variant (3).
Genome position (GRCh38, 1-based): chr1:45,333,516, G>C on the plus strand (C>G on the coding strand, the complement: MUTYH is on the minus strand). VCF-style: chr1-45333516-G-C. GRCh37 (hg19) VCF-style: chr1-45799188-G-C.
Other names: c.161C>G, p.Ser54Cys (NM_001048171.2, NM_001048173.2, NM_001293195.2); c.164C>G, p.Ser55Cys (NM_001048172.2); c.245C>G, p.Ser82Cys (NM_001128425.2); c.206C>G, p.Ser69Cys (NM_001293190.2); c.194C>G, p.Ser65Cys (NM_001293191.2); c.-111C>G (NM_001350650.2); c.236C>G, p.Ser79Cys (NM_012222.3); c.-92-19C>G (NM_001350651.2); and 1 more; short protein forms S82C, S55C, S65C, S79C, S69C, S54C.
Identifiers: ClinVar variation 483904 (VCV000483904.15), dbSNP rs876658645, ClinGen allele CA340136540.